The following continues an entry in ClinVar:

NM_000038.6(APC):c.1240C>T (p.Arg414Cys)

Gene: APC. ClinVar aggregate classification (germline): Benign. Benign (1).

Submissions 15 to 31 of 31:

Laboratory for Molecular Medicine, Mass General Brigham Personalized Medicine
Classification: Likely benign. Last evaluated: 2020-08-10. Review status: criteria provided, single submitter. Criteria: ACMG Guidelines, 2015. Collection method: clinical testing. Allele origin: germline. Not counted in ClinVar's aggregate classification.
Comment: The p.Arg414Cys variant in APC has been reported in 1 individual with FAP (Azzopardi 2008 PMID: 18199528). It has also been identified in 0.18% (46/25082) of Finnish chromosomes by gnomAD. This variant has also been reported in ClinVar (Variation ID 797) where labs such as Invitae have classified this variant as benign. In vitro functional studies provide some evidence that this does not impact protein function (Yamada 2003 PMID: 14633595); however, these types of assays may not accurately represent biological function. In summary, while the clinical significance of this variant is uncertain, its frequency suggests that it is more likely to be benign. ACMG/AMP Criteria applied: BS1, PS4_Supporting.

Illumina Laboratory Services, Illumina
Classification: Likely benign for APC-Associated Polyposis Disorders. Last evaluated: 2018-09-07. Review status: criteria provided, single submitter. Criteria: ICSL Variant Classification Criteria 13 December 2019. Collection method: clinical testing. Allele origin: germline. Not counted in ClinVar's aggregate classification.
Comment: This variant was observed as part of a predisposition screen in an ostensibly healthy population. A literature search was performed for the gene, cDNA change, and amino acid change (where applicable). Publications were found based on this search. The evidence from the literature, in combination with allele frequency data from public databases where available, was sufficient to determine this variant is unlikely to cause disease. Therefore, this variant is classified as likely benign.

PreventionGenetics, part of Exact Sciences
Classification: Likely benign. Last evaluated: 2017-09-01. Review status: criteria provided, single submitter. Criteria: ACMG Guidelines, 2015. Collection method: clinical testing. Allele origin: germline. Not counted in ClinVar's aggregate classification.

Women's Health and Genetics/Laboratory Corporation of America, LabCorp
Classification: Benign. Last evaluated: 2017-06-05. Review status: criteria provided, single submitter. Criteria: LabCorp Variant Classification Summary - May 2015. Collection method: clinical testing. Allele origin: germline. Not counted in ClinVar's aggregate classification.
Comment: Variant summary: The APC c.1240C>T (p.Arg414Cys) variant causes a missense change involving the alteration of a conserved nucleotide. 5/5 in silico tools predict a damaging outcome for this variant. However, a functional study found that this variant maintained inhibitory activity on the transcription mediated by the beta-catenin/TCF4 complex, as did wild-type APC. The variant of interest has been found in a large, broad control population, ExAC in 105/120892 control chromosomes at a frequency of 0.0008685, which is approximately 12 times the estimated maximal expected allele frequency of a pathogenic APC variant (0.0000714), suggesting this variant is likely a benign polymorphism. This variant was found in multiple studies in FAP patients (van der Klift_PMS2_Hum Mutat_2016, Azzopardi_CancerRsrch_2008) but one functional study and the high frequency in population suggests a benign effect. In addition, multiple clinical diagnostic laboratories/reputable databases recently classified this variant as likely benign/benign. Taken together, this variant is classified as benign.

Color Diagnostics, LLC DBA Color Health
Classification: Likely benign for Hereditary cancer-predisposing syndrome. Last evaluated: 2016-10-04. Review status: criteria provided, single submitter. Criteria: ACMG Guidelines, 2015. Collection method: clinical testing. Allele origin: germline. Not counted in ClinVar's aggregate classification.

Ambry Genetics
Classification: Benign for Hereditary cancer-predisposing syndrome. Last evaluated: 2015-11-09. Review status: criteria provided, single submitter. Criteria: Ambry Variant Classification Scheme 2023. Collection method: clinical testing. Allele origin: germline. Not counted in ClinVar's aggregate classification.

True Health Diagnostics
Classification: Likely benign for Hereditary cancer-predisposing syndrome. Last evaluated: 2018-10-04. Review status: no assertion criteria provided. Collection method: clinical testing. Allele origin: germline. Not counted in ClinVar's aggregate classification.

Counsyl
Classification: Likely benign for Familial adenomatous polyposis 1. Last evaluated: 2018-05-15. Review status: no assertion criteria provided. Collection method: clinical testing. Allele origin: unknown. Not counted in ClinVar's aggregate classification.

Pathway Genomics
Classification: Uncertain significance for Adenomatous polyposis coli. Last evaluated: 2014-07-24. Review status: no assertion criteria provided. Collection method: clinical testing. Allele origin: germline. Not counted in ClinVar's aggregate classification.

CSER _CC_NCGL, University of Washington
Classification: Uncertain significance for Adenomatous polyposis coli. Last evaluated: 2014-06-01. Review status: no assertion criteria provided. Collection method: research. Allele origin: germline. Inheritance: Autosomal dominant inheritance. Study: ESP 6500 variant annotation. Not counted in ClinVar's aggregate classification.
Comment: Variants classified for the Actionable exomic incidental findings in 6503 participants: challenges of variant classification manuscript

ITMI
No classification provided. Condition: AllHighlyPenetrant. Last evaluated: 2013-09-19. Review status: no classification provided. Collection method: reference population. Allele origin: germline. Not counted in ClinVar's aggregate classification.
Comment: Please see associated publication for description of ethnicities

Biesecker Lab/Clinical Genomics Section, National Institutes of Health
Classification: Uncertain significance. Last evaluated: 2012-07-13. Review status: no assertion criteria provided. Collection method: research. Allele origin: germline. Affected: no. Observed: 1 variant allele. Study: ClinSeq. Not counted in ClinVar's aggregate classification.
ClinVar note: Converted during submission from variant of unknown significance to Uncertain significance.

OMIM
Classification: Pathogenic for GARDNER SYNDROME. Last evaluated: 1991-08-09. Review status: no assertion criteria provided. Collection method: literature only. Allele origin: germline. Not counted in ClinVar's aggregate classification.

Clinical Genetics, Academic Medical Center
Classification: Likely benign. Review status: no assertion criteria provided. Collection method: clinical testing. Allele origin: germline. Affected: yes. Study: VKGL Data-share Consensus. Not counted in ClinVar's aggregate classification.

Diagnostic Laboratory, Department of Genetics, University Medical Center Groningen
Classification: Likely benign. Review status: no assertion criteria provided. Collection method: clinical testing. Allele origin: germline. Affected: yes. Study: VKGL Data-share Consensus. Not counted in ClinVar's aggregate classification.

Laboratory of Diagnostic Genome Analysis, Leiden University Medical Center (LUMC)
Classification: Likely benign. Review status: no assertion criteria provided. Collection method: clinical testing. Allele origin: germline. Affected: yes. Study: VKGL Data-share Consensus. Not counted in ClinVar's aggregate classification.

Mayo Clinic Laboratories, Mayo Clinic
Classification: Likely benign. Review status: no assertion criteria provided. Collection method: clinical testing. Allele origin: unknown. Not counted in ClinVar's aggregate classification.

Literature cited by the submitters: PubMed 25142776 (cited by 5 submitters); PubMed 24790607 (cited by 6 submitters); PubMed 14633595 (cited by 4 submitters); PubMed 18199528 (cited by 6 submitters); PubMed 20223039 (cited by 5 submitters); PubMed 27435373 (cited by 3 submitters); PubMed 24728327 (cited by 7 submitters); PubMed 25637381 (cited by 3 submitters); PubMed 1651563 (cited by 5 submitters); PubMed 21859464 (cited by Quest Diagnostics Nichols Institute San Juan Capistrano and Illumina Laboratory Services, Illumina); PubMed 26332594 (cited by Quest Diagnostics Nichols Institute San Juan Capistrano and Illumina Laboratory Services, Illumina); PubMed 20685668 (cited by Quest Diagnostics Nichols Institute San Juan Capistrano and Counsyl); PubMed 26917275 (cited by Quest Diagnostics Nichols Institute San Juan Capistrano); PubMed 22000517 (cited by Quest Diagnostics Nichols Institute San Juan Capistrano and Counsyl); PubMed 2478327 (cited by Illumina Laboratory Services, Illumina); PubMed 27930734 (cited by Counsyl).